The following is an entry in ClinVar:

NM_000350.3(ABCA4):c.2897del (p.Gly966fs)

Gene: ABCA4 (ATP binding cassette subfamily A member 4; minus strand). Cytogenetic location: 1p22.1.
Variant type: Deletion.
Coding change: c.2897del on transcript NM_000350.3 (MANE Select); coding-DNA position 2897, one base deleted (G; older notation c.2897delG).
Protein change: p.Gly966fs; shifts the reading frame from glycine 966.
Molecular consequence: frameshift variant.
Genome position (GRCh38, 1-based): chr1:94,046,940, C deleted on the plus strand (G on the coding strand, the reverse complement: ABCA4 is on the minus strand); the first of 2 consecutive C bases (chr1:94,046,940-94,046,941); deleting either gives the same sequence. VCF-style (leftmost placement, unchanged base first): chr1-94046939-TC-T. GRCh37 (hg19) VCF-style: chr1-94512495-TC-T.
Other names: c.2675del, p.Gly892fs (NM_001425324.1); short protein forms G966fs, G892fs.
Identifiers: ClinVar variation 4717102 (VCV004717102.1).

ClinVar aggregate classification (germline): Pathogenic (1 of 4 stars; one submission).

Submission:

Labcorp Genetics (formerly Invitae), Labcorp
Classification: Pathogenic. Last evaluated: 2025-05-05. Review status: criteria provided, single submitter. Criteria: Invitae Variant Classification Sherloc (09022015). Collection method: clinical testing. Allele origin: germline.
Comment: This sequence change creates a premature translational stop signal (p.Gly966Glufs*11) in the ABCA4 gene. It is expected to result in an absent or disrupted protein product. Loss-of-function variants in ABCA4 are known to be pathogenic (PMID: 10958761, 24938718, 25312043, 26780318). This variant is not present in population databases (gnomAD no frequency). This variant has not been reported in the literature in individuals affected with ABCA4-related conditions. For these reasons, this variant has been classified as Pathogenic.

Literature cited by the submitters: PubMed 10958761; PubMed 24938718; PubMed 25312043; PubMed 26780318.